The following is an entry in ClinVar:

ClinVar aggregate classification (germline): Likely benign. Review status: criteria provided, multiple submitters, no conflicts (2 of 4 stars). 4 submissions from 4 submitters: Likely benign (3). 1 of the submissions does not count toward it. Last evaluated 2025-08-13.

Conditions:
IGF1R-related disorder. Also called: IGF1R-related condition.

Allele frequency attached by ClinVar (database versions not stated): gnomAD 0.00006 and 0.00008; ESP Exome Variant Server 0.00008; gnomAD exomes 0.00009 and 0.00010; TOPMed 0.00009; ExAC 0.00012; 1000 Genomes Project 0.00020; 1000 Genomes Project 30x 0.00031.
gnomAD v4.1: 144 of 1,614,104 alleles (0.0089%); highest among the groups gnomAD compares: South Asian, 0.021%; no homozygotes.

Submissions (4):

Labcorp Genetics (formerly Invitae), Labcorp
Classification: Likely benign. Last evaluated: 2025-08-13. Review status: criteria provided, single submitter. Criteria: Invitae Variant Classification Sherloc (09022015). Collection method: clinical testing. Allele origin: germline.

CeGaT Center for Human Genetics Tuebingen
Classification: Likely benign. Last evaluated: 2025-03-01. Review status: criteria provided, single submitter. Criteria: CeGaT Center For Human Genetics Tuebingen Variant Classification Criteria Version 2. Collection method: clinical testing. Allele origin: germline. Affected: yes. Observed: 1 variant allele.
Comment: IGF1R: BP4, BP7

Blueprint Genetics
Classification: Likely benign. Last evaluated: 2023-12-29. Review status: criteria provided, single submitter. Criteria: ACMG Guidelines, 2015. Collection method: clinical testing. Allele origin: germline.

PreventionGenetics, part of Exact Sciences
Classification: Likely benign for IGF1R-related condition. Last evaluated: 2019-04-10. Review status: no assertion criteria provided. Collection method: clinical testing. Allele origin: germline. Not counted in ClinVar's aggregate classification.
Comment: This variant is classified as likely benign based on ACMG/AMP sequence variant interpretation guidelines (Richards et al. 2015 PMID: 25741868, with internal and published modifications).

NM_000875.5(IGF1R):c.1473C>T (p.Asp491=)

Gene: IGF1R (insulin like growth factor 1 receptor; plus strand). Cytogenetic location: 15q26.3.
Variant type: single nucleotide variant.
Coding change: c.1473C>T on transcript NM_000875.5 (MANE Select); coding-DNA position 1473, C replaced by T.
Protein change: p.Asp491=; no amino-acid change (aspartic acid 491 retained).
Molecular consequence: synonymous variant.
Genome position (GRCh38, 1-based): chr15:98,911,325, C>T. VCF-style: chr15-98911325-C-T. GRCh37 (hg19) VCF-style: chr15-99454554-C-T.
Other names: c.1473C>T, p.Asp491= (NM_001291858.2); c.1473C>T (NM_000875.4).
Identifiers: ClinVar variation 1672484 (VCV001672484.18), dbSNP rs377404946, ClinGen allele CA7752113.